The following is an entry in ClinVar:

ClinVar aggregate classification (germline): Conflicting classifications of pathogenicity. Review status: criteria provided, conflicting classifications (1 of 4 stars). 2 submissions from 2 submitters: Likely pathogenic (1); Uncertain significance (1). Last evaluated 2025-07-23.

Conditions:
Developmental and epileptic encephalopathy, 40 (DEE40). Also called: Epileptic encephalopathy, early infantile, 40. Identifiers: Orphanet 3451, MedGen C4310737, MONDO:0014895, OMIM 617065.

Submissions (2):

Labcorp Genetics (formerly Invitae), Labcorp
Classification: Uncertain significance. Last evaluated: 2025-07-23. Review status: criteria provided, single submitter. Criteria: Invitae Variant Classification Sherloc (09022015). Collection method: clinical testing. Allele origin: germline.
Comment: This sequence change creates a premature translational stop signal (p.Leu491Argfs*14) in the GUF1 gene. It is expected to result in an absent or disrupted protein product. However, the current clinical and genetic evidence is not sufficient to establish whether loss-of-function variants in GUF1 cause disease. This variant is present in population databases (rs747316677, gnomAD 0.2%), and has an allele count higher than expected for a pathogenic variant. This variant has not been reported in the literature in individuals affected with GUF1-related conditions. ClinVar contains an entry for this variant (Variation ID: 1341779). Experimental studies and prediction algorithms are not available or were not evaluated, and the functional significance of this variant is currently unknown. In summary, the available evidence is currently insufficient to determine the role of this variant in disease. Therefore, it has been classified as a Variant of Uncertain Significance.

New York Genome Center
Classification: Likely pathogenic for Developmental and epileptic encephalopathy, 40. Last evaluated: 2021-01-15. Review status: criteria provided, single submitter. Criteria: NYGC Assertion Criteria 2020. Collection method: clinical testing. Allele origin: inherited. Observed: 1 heterozygote. Study: CSER-NYCKidSeq.

NM_021927.3(GUF1):c.1472_1476del (p.Leu491fs)

Gene: GUF1 (GTP binding elongation factor GUF1; plus strand). Cytogenetic location: 4p12.
Variant type: Deletion.
Coding change: c.1472_1476del on transcript NM_021927.3 (MANE Select); coding-DNA positions 1472 to 1476, 5 bases deleted (TTTGC; older notation c.1472_1476delTTTGC).
Protein change: p.Leu491fs; shifts the reading frame from leucine 491.
Molecular consequence: frameshift variant.
Genome position (GRCh38, 1-based): chr4:44,690,853-44,690,857, TTTGC deleted; deleting any 5 consecutive bases within chr4:44,690,850-44,690,857 gives the same sequence; the c. name uses the placement nearest the transcript's 3' end. VCF-style (leftmost placement, unchanged base first): chr4-44690849-ATGCTT-A. GRCh37 (hg19) VCF-style: chr4-44692866-ATGCTT-A.
Other names: c.500_504del, p.Leu167fs (NM_001345867.2, NM_001345869.2); c.1472_1476del, p.Leu491fs (NM_001345868.2); short protein forms L167fs, L491fs.
Identifiers: ClinVar variation 1341779 (VCV001341779.4), dbSNP rs747316677, ClinGen allele CA2905646.
Genomic context (GRCh38, chr4:44,690,849, plus strand): 5'-TTGGAGCCAGTTGTTTTGGGCACTATTATCACACCAGATGAATACACTGGAAAAATAATG[ATGCTT>A]TGCGAGGTATAACTATAATACAATTTAATACAAAATTAGGTTTTAGTCCTCTGAAATAGT-3'